The following is an entry in ClinVar:

ClinVar aggregate classification (germline): Likely benign (0 of 4 stars; one submission).

Conditions:
CHN2-related disorder. Also called: CHN2-related condition.

Allele frequency attached by ClinVar (database versions not stated): ExAC 0.00043; ESP Exome Variant Server 0.00023.
gnomAD v4.1: 504 of 1,566,798 alleles (0.032%); highest among the groups gnomAD compares: Non-Finnish European, 0.036%; 1 homozygote.

Submission:

PreventionGenetics, part of Exact Sciences
Classification: Likely benign for CHN2-related condition. Last evaluated: 2019-05-17. Review status: no assertion criteria provided. Collection method: clinical testing. Allele origin: germline.
Comment: This variant is classified as likely benign based on ACMG/AMP sequence variant interpretation guidelines (Richards et al. 2015 PMID: 25741868, with internal and published modifications).

NM_004067.4(CHN2):c.-6G>A

Genes: CHN2 (chimerin 2; plus strand), CPVL (carboxypeptidase vitellogenic like; minus strand). Cytogenetic location: 7p14.3.
Variant type: single nucleotide variant.
Coding change: c.-6G>A on transcript NM_004067.4 (MANE Select); 6 bases upstream of the start codon, G replaced by A.
Molecular consequence: 5 prime UTR variant. On other transcripts: intron variant (13).
Genome position (GRCh38, 1-based): chr7:29,194,936, G>A. VCF-style: chr7-29194936-G-A. GRCh37 (hg19) VCF-style: chr7-29234552-G-A.
Other names: NM_001293069.1:c.274+47976G>A; c.-390+47976G>A (NM_001398427.1); c.-6G>A (NM_001293070.2); c.-55G>A (NM_001293071.2); c.-195+141C>T (NM_001371268.1); c.-330+141C>T (NM_001371258.1); c.-458+141C>T (NM_001371256.1); c.-701+141C>T (NM_001371266.1); and 8 more.
Identifiers: ClinVar variation 3041465 (VCV003041465.2), dbSNP rs368239468, ClinGen allele CA4201903.
Genomic context (GRCh38, chr7:29,194,936, plus strand): 5'-GCGAGGGCAGCGGCGGCGGCGTCCGCACCGGGGCTGAGCGAGCAGCGACGCGAGGGGCGC[G>A]CGGAGATGGCAGCGTCCAGCAACTCCAGCCTGTCCGGCTCGTCGGTGTCCTCCGGTGAGT-3'